The following is an entry in ClinVar:

ClinVar aggregate classification (germline): Uncertain significance (1 of 4 stars; one submission).

Submission:

Ambry Genetics
Classification: Uncertain significance. Last evaluated: 2023-02-21. Review status: criteria provided, single submitter. Criteria: Ambry Variant Classification Scheme 2023. Collection method: clinical testing. Allele origin: germline.
Comment: The p.I3920S variant (also known as c.11759T>G), located in coding exon 83 of the PRKDC gene, results from a T to G substitution at nucleotide position 11759. The isoleucine at codon 3920 is replaced by serine, an amino acid with dissimilar properties. This amino acid position is conserved. In addition, the in silico prediction for this alteration is inconclusive. Since supporting evidence is limited at this time, the clinical significance of this alteration remains unclear.

NM_006904.7(PRKDC):c.11759T>G (p.Ile3920Ser)

Gene: PRKDC (protein kinase, DNA-activated, catalytic subunit; minus strand). Cytogenetic location: 8q11.21.
Variant type: single nucleotide variant.
Coding change: c.11759T>G on transcript NM_006904.7 (MANE Select); coding-DNA position 11759, T replaced by G.
Protein change: p.Ile3920Ser; replaces isoleucine 3920 with serine.
Molecular consequence: missense variant.
Genome position (GRCh38, 1-based): chr8:47,778,553, A>C on the plus strand (T>G on the coding strand, the complement: PRKDC is on the minus strand). VCF-style: chr8-47778553-A-C. GRCh37 (hg19) VCF-style: chr8-48691114-A-C.
Other names: c.11666T>G, p.Ile3889Ser (NM_001081640.2); short protein forms I3920S, I3889S.
Identifiers: ClinVar variation 2449887 (VCV002449887.2), dbSNP rs2551859894, ClinGen allele CA371128628.
Genomic context (GRCh38, chr8:47,778,553, plus strand): 5'-ATCCCGATCACGCCGCCAGTCTCCATGGCCACCATAAAGTTGTTCAGATGTCTGTCTCCA[A>C]TCCCGAGGATCCAGTGGCTGATGCATATCAGAGCGTGAGAGCTGGCGAAGTGGGAGCGGA-3'
Protein context (NP_008835.5, residues 3910-3930): LICISHWILG[Ile3920Ser]GDRHLNNFMV